The following is an entry in ClinVar:

NM_004304.5(ALK):c.1496C>A (p.Pro499His)

Gene: ALK (ALK receptor tyrosine kinase; minus strand). Cytogenetic location: 2p23.2.
Variant type: single nucleotide variant.
Coding change: c.1496C>A on transcript NM_004304.5 (MANE Select); coding-DNA position 1496, C replaced by A.
Protein change: p.Pro499His; replaces proline 499 with histidine.
Molecular consequence: missense variant.
Genome position (GRCh38, 1-based): chr2:29,320,801, G>T on the plus strand (C>A on the coding strand, the complement: ALK is on the minus strand). VCF-style: chr2-29320801-G-T. GRCh37 (hg19) VCF-style: chr2-29543667-G-T.
Other names: c.1496C>A (NM_004304.4); short protein forms P499H.
Identifiers: ClinVar variation 1064267 (VCV001064267.10), dbSNP rs1558669753, ClinGen allele CA346472370.

ClinVar aggregate classification (germline): Uncertain significance. Review status: criteria provided, multiple submitters, no conflicts (2 of 4 stars). 2 submissions from 2 submitters: Uncertain significance (2). Last evaluated 2024-10-20.

Conditions:
Hereditary cancer-predisposing syndrome. Also called: Tumor predisposition; Neoplastic Syndromes, Hereditary; Hereditary Cancer Syndrome; Hereditary neoplastic syndrome. Identifiers: Orphanet 140162, MedGen C0027672, MeSH D009386, MONDO:0015356.
Neuroblastoma, susceptibility to, 3. Also called: ALK-Related Neuroblastic Tumor Susceptibility. Identifiers: Orphanet 635, MedGen C2751681, MONDO:0013083, OMIM 613014.

Allele frequency attached by ClinVar (database versions not stated): gnomAD exomes below 0.00001.
gnomAD v4.1: 1 of 1,614,128 alleles (0.000062%); highest among the groups gnomAD compares: Non-Finnish European, 0.000085%; no homozygotes.

Submissions (2):

Ambry Genetics
Classification: Uncertain significance for Hereditary cancer-predisposing syndrome. Last evaluated: 2024-10-20. Review status: criteria provided, single submitter. Criteria: Ambry Variant Classification Scheme 2023. Collection method: clinical testing. Allele origin: germline.
Comment: The p.P499H variant (also known as c.1496C>A), located in coding exon 7 of the ALK gene, results from a C to A substitution at nucleotide position 1496. The proline at codon 499 is replaced by histidine, an amino acid with similar properties. This amino acid position is conserved. In addition, this alteration is predicted to be tolerated by in silico analysis. Based on the available evidence, the clinical significance of this variant remains unclear.

Labcorp Genetics (formerly Invitae), Labcorp
Classification: Uncertain significance for Neuroblastoma, susceptibility to, 3. Last evaluated: 2021-08-28. Review status: criteria provided, single submitter. Criteria: Invitae Variant Classification Sherloc (09022015). Collection method: clinical testing. Allele origin: germline.
Comment: This sequence change replaces proline with histidine at codon 499 of the ALK protein (p.Pro499His). The proline residue is moderately conserved and there is a moderate physicochemical difference between proline and histidine. This variant is not present in population databases (ExAC no frequency). In summary, the available evidence is currently insufficient to determine the role of this variant in disease. Therefore, it has been classified as a Variant of Uncertain Significance. Algorithms developed to predict the effect of missense changes on protein structure and function are either unavailable or do not agree on the potential impact of this missense change (SIFT: "Deleterious"; PolyPhen-2: "Possibly Damaging"; Align-GVGD: "Class C0"). This variant has not been reported in the literature in individuals with ALK-related conditions.